The following is an entry in ClinVar:

ClinVar aggregate classification (germline): Pathogenic (1 of 4 stars; one submission).

Conditions:
Monogenic hearing loss.

Submission:

North West Genomic Laboratory Hub, Manchester University NHS Foundation Trust
Classification: Pathogenic for Monogenic hearing loss. Last evaluated: 2026-09-16. Review status: criteria provided, single submitter. Criteria: ACGS Best Practice Guidelines for Variant Classification in Rare Disease 2024. Collection method: clinical testing. Allele origin: germline. Affected: yes.
Comment: PVS1_VStr PM2_Mod

NM_004999.4(MYO6):c.3465del (p.Pro1156fs)

Gene: MYO6 (myosin VI; plus strand). Cytogenetic location: 6q14.1.
Variant type: Deletion.
Coding change: c.3465del on transcript NM_004999.4 (MANE Select); coding-DNA position 3465, one base deleted (T; older notation c.3465delT).
Protein change: p.Pro1156fs; shifts the reading frame from proline 1156.
Molecular consequence: frameshift variant. On other transcripts: non-coding transcript variant (1).
Genome position (GRCh38, 1-based): chr6:75,914,088, T deleted; the last of 2 consecutive T bases (chr6:75,914,087-75,914,088); deleting either gives the same sequence. VCF-style (leftmost placement, unchanged base first): chr6-75914086-AT-A. GRCh37 (hg19) VCF-style: chr6-76623803-AT-A.
Other names: c.3396del, p.Pro1133fs (NM_001300899.2); c.3369del, p.Pro1124fs (NM_001368136.1); c.3426del, p.Pro1143fs (NM_001368137.1); c.3381del, p.Pro1128fs (NM_001368138.1); c.3492del, p.Pro1165fs (NM_001368865.1); c.3465del, p.Pro1156fs (NM_001368866.1); short protein forms P1124fs, P1128fs, P1133fs, P1143fs, P1156fs, P1165fs.
Identifiers: ClinVar variation 4975012 (VCV004975012.1).